The following is an entry in ClinVar:

NM_000245.4(MET):c.1719A>G (p.Ala573=)

Gene: MET (MET proto-oncogene, receptor tyrosine kinase; plus strand). Cytogenetic location: 7q31.2.
Variant type: single nucleotide variant.
Coding change: c.1719A>G on transcript NM_000245.4 (MANE Select); coding-DNA position 1719, A replaced by G.
Protein change: p.Ala573=; no amino-acid change (alanine 573 retained).
Molecular consequence: synonymous variant.
Genome position (GRCh38, 1-based): chr7:116,755,372, A>G. VCF-style: chr7-116755372-A-G. GRCh37 (hg19) VCF-style: chr7-116395426-A-G.
Other names: c.1719A>G (NM_001127500.2); c.1719A>G, p.Ala573= (NM_001127500.3, NM_001324401.3); c.429A>G, p.Ala143= (NM_001324402.2).
Identifiers: ClinVar variation 704672 (VCV000704672.34), dbSNP rs199776656, ClinGen allele CA4448277.

ClinVar aggregate classification (germline): Conflicting classifications of pathogenicity. Review status: criteria provided, conflicting classifications (1 of 4 stars). 6 submissions from 6 submitters: Uncertain significance (1); Benign (1); Likely benign (3). 1 of the submissions does not count toward it. Last evaluated 2026-01-31.

Conditions:
MET-related disorder. Also called: MET-related condition.
Hereditary cancer-predisposing syndrome. Also called: Neoplastic Syndromes, Hereditary; Tumor predisposition; Hereditary Cancer Syndrome; Hereditary neoplastic syndrome. Identifiers: Orphanet 140162, MedGen C0027672, MeSH D009386, MONDO:0015356.
Papillary renal cell carcinoma type 1 (RCCP1). Also called: Renal adenocarcinoma; Renal cell carcinoma 1; Renal cell carcinoma, somatic; RENAL CELL CARCINOMA, PAPILLARY, 1, SOMATIC. Identifiers: Orphanet 47044, MedGen C1336839, OMIM 605074, HP:0011797.
Renal cell carcinoma. Identifiers: Orphanet 217071, MedGen C0007134, MeSH D002292, MONDO:0005086, HP:0005584.

Allele frequency attached by ClinVar (database versions not stated): gnomAD exomes below 0.00001 and 0.00001; TOPMed below 0.00001; ExAC 0.00002.
gnomAD v4.1: 5 of 1,613,956 alleles (0.00031%); highest among the groups gnomAD compares: African/African-American, 0.0013%; no homozygotes.

Submissions (6):

Labcorp Genetics (formerly Invitae), Labcorp
Classification: Likely benign for Renal cell carcinoma. Last evaluated: 2026-01-31. Review status: criteria provided, single submitter. Criteria: Invitae Variant Classification Sherloc (09022015). Collection method: clinical testing. Allele origin: germline.

Myriad Genetics, Inc.
Classification: Benign for Papillary renal cell carcinoma type 1. Last evaluated: 2024-11-08. Review status: criteria provided, single submitter. Criteria: Myriad Autosomal Dominant, Autosomal Recessive and X-Linked Classification Criteria (2023). Collection method: clinical testing. Allele origin: unknown.
Comment: This variant is considered benign. This variant is a silent/synonymous amino acid change and it is not expected to impact splicing.

CeGaT Center for Human Genetics Tuebingen
Classification: Likely benign. Last evaluated: 2024-06-01. Review status: criteria provided, single submitter. Criteria: CeGaT Center For Human Genetics Tuebingen Variant Classification Criteria Version 2. Collection method: clinical testing. Allele origin: germline. Affected: yes. Observed: 1 variant allele.
Comment: MET: BP4, BP7

Sema4
Classification: Uncertain significance for Hereditary cancer-predisposing syndrome. Last evaluated: 2022-02-25. Review status: criteria provided, single submitter. Criteria: Sema4 Curation Guidelines. Collection method: curation. Allele origin: germline.
Comment: The MET c.1719A>G (p.A573=) variant has not been reported in the literature to our knowledge. This variant was observed in 1/113148 chromosomes in the Non-Finnish European population, according to the Genome Aggregation Database (PMID: 32461654). The variant has been reported in ClinVar (Variation ID: 704672). In silico tools suggest that the affected nucleotide is not conserved and that the variant may create or strengthen a cryptic splice site, though these predictions have not been confirmed by functional studies. The evidence is insufficient to meet ACMG/AMP criteria for classifying the variant as benign or pathogenic. Thus, the clinical significance of this variant is currently uncertain.

Ambry Genetics
Classification: Likely benign for Hereditary cancer-predisposing syndrome. Last evaluated: 2020-09-10. Review status: criteria provided, single submitter. Criteria: Ambry Variant Classification Scheme 2023. Collection method: clinical testing. Allele origin: germline.

PreventionGenetics, part of Exact Sciences
Classification: Likely benign for MET-related condition. Last evaluated: 2023-09-29. Review status: no assertion criteria provided. Collection method: clinical testing. Allele origin: germline. Not counted in ClinVar's aggregate classification.
Comment: This variant is classified as likely benign based on ACMG/AMP sequence variant interpretation guidelines (Richards et al. 2015 PMID: 25741868, with internal and published modifications).